The following is an entry in ClinVar:

ClinVar aggregate classification (germline): Uncertain significance (1 of 4 stars; one submission).

Conditions:
MAGEL2-related disorder. Also called: MAGEL2-related condition.

gnomAD v4.1: 3 of 1,536,560 alleles (0.0002%); highest among the groups gnomAD compares: African/African-American, 0.0041%; no homozygotes.

Submission:

PreventionGenetics, part of Exact Sciences
Classification: Uncertain significance for MAGEL2-related condition. Last evaluated: 2026-01-29. Review status: criteria provided, single submitter. Criteria: ACMG Guidelines, 2015. Collection method: clinical testing. Allele origin: germline.
Comment: The MAGEL2 c.412C>A variant is predicted to result in the amino acid substitution p.Pro138Thr. To our knowledge, this variant has not been reported in the literature. This variant is reported in 0.012% of alleles in individuals of African descent in gnomAD. At this time, the clinical significance of this variant is uncertain due to the absence of conclusive functional and genetic evidence.

NM_019066.5(MAGEL2):c.412C>A (p.Pro138Thr)

Gene: MAGEL2 (MAGE family member L2; minus strand). Cytogenetic location: 15q11.2.
Variant type: single nucleotide variant.
Coding change: c.412C>A on transcript NM_019066.5 (MANE Select); coding-DNA position 412, C replaced by A.
Protein change: p.Pro138Thr; replaces proline 138 with threonine.
Molecular consequence: missense variant.
Genome position (GRCh38, 1-based): chr15:23,647,331, G>T on the plus strand (C>A on the coding strand, the complement: MAGEL2 is on the minus strand). VCF-style: chr15-23647331-G-T. GRCh37 (hg19) VCF-style: chr15-23892478-G-T.
Other names: short protein forms P138T.
Identifiers: ClinVar variation 3349571 (VCV003349571.2).